The following is an entry in ClinVar:

NM_000051.4(ATM):c.8585-1G>A

Genes: C11orf65 (chromosome 11 open reading frame 65; minus strand), ATM (ATM serine/threonine kinase; plus strand). Cytogenetic location: 11q22.3.
Variant type: single nucleotide variant.
Coding change: c.8585-1G>A on transcript NM_000051.4 (MANE Select); the canonical splice acceptor site of the intron before coding-DNA position 8585, G replaced by A.
Molecular consequence: splice acceptor variant. On other transcripts: intron variant (2).
Genome position (GRCh38, 1-based): chr11:108,347,278, G>A. VCF-style: chr11-108347278-G-A. GRCh37 (hg19) VCF-style: chr11-108218005-G-A.
Other names: c.8585-1G>A (NM_001351834.2); c.641-38207C>T (NM_001330368.2); c.695-11986C>T (NM_001351110.2).
Identifiers: ClinVar variation 232910 (VCV000232910.7), dbSNP rs876660066, ClinGen allele CA10579307.
Genomic context (GRCh38, chr11:108,347,278, plus strand): 5'-GCTATATATTAGAAAGAGATGGAATCAGTGATTTCAGATTGTTTGTTTCTTTTTTCTCCA[G>A]TTGGTTACATACTTGGACTTGGTGATAGACATGTACAGAATATCTTGATAAATGAGCAGT-3'

ClinVar aggregate classification (germline): Pathogenic/Likely pathogenic. Review status: criteria provided, multiple submitters, no conflicts (2 of 4 stars). 2 submissions from 2 submitters: Pathogenic (1); Likely pathogenic (1). Last evaluated 2024-02-02.

Conditions:
Hereditary cancer-predisposing syndrome. Also called: Neoplastic Syndromes, Hereditary; Hereditary neoplastic syndrome; Tumor predisposition; Hereditary Cancer Syndrome. Identifiers: Orphanet 140162, MedGen C0027672, MeSH D009386, MONDO:0015356.
Familial cancer of breast. Also called: hereditary breast carcinoma; Hereditary breast cancer; BREAST CANCER, FAMILIAL. Identifiers: Orphanet 227535, MedGen C0346153, MONDO:0016419, OMIM 114480. Disease mechanism: loss of function.

Submissions (2):

Myriad Genetics, Inc.
Classification: Pathogenic for Familial cancer of breast. Last evaluated: 2024-02-02. Review status: criteria provided, single submitter. Criteria: Myriad Autosomal Dominant, Autosomal Recessive and X-Linked Classification Criteria (2023). Collection method: clinical testing. Allele origin: unknown.
Comment: This variant is considered pathogenic. This variant occurs within a consensus splice junction and is predicted to result in abnormal mRNA splicing of either an out-of-frame exon or an in-frame exon necessary for protein stability and/or normal function. Functional studies indicate this variant impacts protein function [PMID: 22006793]. This variant has been reported in multiple individuals with clinical features of gene-specific disease [PMID: 22006793, 23322442, 21665257, 31741144].

Ambry Genetics
Classification: Likely pathogenic for Hereditary cancer-predisposing syndrome. Last evaluated: 2023-11-29. Review status: criteria provided, single submitter. Criteria: Ambry Variant Classification Scheme 2023. Collection method: clinical testing. Allele origin: germline.
Comment: The c.8585-1G>A intronic variant results from a G to A substitution one nucleotide upstream from coding exon 58 of the ATM gene. Alterations that disrupt the canonical splice site are expected to result in aberrant splicing. In silico splice site analysis predicts that this alteration will weaken the native splice acceptor site and may result in the creation or strengthening of a novel splice acceptor site. The resulting transcript is predicted to be in-frame and is not expected to trigger nonsense-mediated mRNAdecay; however, direct evidence is unavailable. The exact functional effect of the altered amino acid sequence is unknown; however, the impacted region is critical for protein function (Ambry internal data). This variant is considered to be rare based on population cohorts in the Genome Aggregation Database (gnomAD). This nucleotide position is highly conserved in available vertebrate species. Based on the majority of available evidence to date, this variant is likely to be pathogenic.

Literature cited by the submitters: PubMed 22006793 (cited by Myriad Genetics, Inc.); PubMed 23322442 (cited by Myriad Genetics, Inc.); PubMed 21665257 (cited by Myriad Genetics, Inc.); PubMed 31741144 (cited by Myriad Genetics, Inc.).